The following is an entry in ClinVar:

ClinVar aggregate classification (germline): Conflicting classifications of pathogenicity. Review status: criteria provided, conflicting classifications (1 of 4 stars). 2 submissions from 2 submitters: Uncertain significance (1); Likely benign (1). Last evaluated 2025-10-01.

Conditions:
Developmental and epileptic encephalopathy, 9 (DEE9). Also called: EPILEPSY, FEMALE-RESTRICTED, WITH MENTAL RETARDATION; PCDH19-Related X-Linked Female-Limited Epilepsy with Mental Retardation; Early infantile epileptic encephalopathy 9; JUBERG-HELLMAN SYNDROME. Identifiers: Orphanet 101039, Orphanet 2076, MedGen C1848137, MONDO:0010246, OMIM 300088. Disease mechanism: loss of function.

Allele frequency attached by ClinVar (database versions not stated): ExAC 0.00001; gnomAD exomes 0.00002 and 0.00003; TOPMed 0.00002; gnomAD 0.00003.
gnomAD v4.1: 40 of 1,209,603 alleles (0.0033%); highest among the groups gnomAD compares: Non-Finnish European, 0.0044%; no homozygotes.

Submissions (2):

CeGaT Center for Human Genetics Tuebingen
Classification: Likely benign. Last evaluated: 2025-10-01. Review status: criteria provided, single submitter. Criteria: CeGaT Center For Human Genetics Tuebingen Variant Classification Criteria Version 2. Collection method: clinical testing. Allele origin: germline. Affected: yes. Observed: 5 variant alleles.
Comment: PCDH19: BS2

Labcorp Genetics (formerly Invitae), Labcorp
Classification: Uncertain significance for Developmental and epileptic encephalopathy, 9. Last evaluated: 2025-08-11. Review status: criteria provided, single submitter. Criteria: Invitae Variant Classification Sherloc (09022015). Collection method: clinical testing. Allele origin: germline.
Comment: This sequence change replaces serine, which is neutral and polar, with phenylalanine, which is neutral and non-polar, at codon 806 of the PCDH19 protein (p.Ser806Phe). This variant is present in population databases (rs756871980, gnomAD 0.003%). This variant has not been reported in the literature in individuals affected with PCDH19-related conditions. ClinVar contains an entry for this variant (Variation ID: 206346). Invitae Evidence Modeling of protein sequence and biophysical properties (such as structural, functional, and spatial information, amino acid conservation, physicochemical variation, residue mobility, and thermodynamic stability) has been performed for this missense variant. However, the output from this modeling did not meet the statistical confidence thresholds required to predict the impact of this variant on PCDH19 protein function. In summary, the available evidence is currently insufficient to determine the role of this variant in disease. Therefore, it has been classified as a Variant of Uncertain Significance.

NM_001184880.2(PCDH19):c.2417C>T (p.Ser806Phe)

Genes: PCDH19 (protocadherin 19; minus strand), LOC125467768 (CDK7 strongly-dependent group 2 enhancer GRCh37_chrX:99657381-99658580; plus strand). Cytogenetic location: Xq22.1.
Variant type: single nucleotide variant.
Coding change: c.2417C>T on transcript NM_001184880.2 (MANE Select); coding-DNA position 2417, C replaced by T.
Protein change: p.Ser806Phe; replaces serine 806 with phenylalanine.
Molecular consequence: missense variant.
Genome position (GRCh38, 1-based): chrX:100,402,723, G>A on the plus strand (C>T on the coding strand, the complement: PCDH19 is on the minus strand). VCF-style: chrX-100402723-G-A. GRCh37 (hg19) VCF-style: chrX-99657721-G-A.
Other names: c.2276C>T, p.Ser759Phe (NM_001105243.2, NM_020766.3); short protein forms S759F, S806F.
Identifiers: ClinVar variation 206346 (VCV000206346.48), dbSNP rs756871980, ClinGen allele CA316390.